The following is an entry in ClinVar:

ClinVar aggregate classification (germline): Uncertain significance (1 of 4 stars; one submission).

Conditions:
Inborn genetic diseases. Identifiers: MedGen C0950123, MeSH D030342.

gnomAD v4.1: 15 of 1,613,810 alleles (0.00093%); highest among the groups gnomAD compares: Non-Finnish European, 0.0013%; no homozygotes.

Submission:

Ambry Genetics
Classification: Uncertain significance for Inborn genetic diseases. Last evaluated: 2025-05-31. Review status: criteria provided, single submitter. Criteria: Ambry Variant Classification Scheme 2023. Collection method: clinical testing. Allele origin: germline.
Comment: The p.E398A variant (also known as c.1193A>C), located in coding exon 9 of the BMPR2 gene, results from an A to C substitution at nucleotide position 1193. The glutamic acid at codon 398 is replaced by alanine, an amino acid with dissimilar properties. This amino acid position is conserved. In addition, the in silico prediction for this alteration is inconclusive. Based on the available evidence, the clinical significance of this variant remains unclear.

NM_001204.7(BMPR2):c.1193A>C (p.Glu398Ala)

Gene: BMPR2 (bone morphogenetic protein receptor type 2; plus strand). Cytogenetic location: 2q33.2.
Variant type: single nucleotide variant.
Coding change: c.1193A>C on transcript NM_001204.7 (MANE Select); coding-DNA position 1193, A replaced by C.
Protein change: p.Glu398Ala; replaces glutamic acid 398 with alanine.
Molecular consequence: missense variant.
Genome position (GRCh38, 1-based): chr2:202,532,649, A>C. VCF-style: chr2-202532649-A-C. GRCh37 (hg19) VCF-style: chr2-203397372-A-C.
Other names: short protein forms E398A.
Identifiers: ClinVar variation 3992212 (VCV003992212.1).
Genomic context (GRCh38, chr2:202,532,649, plus strand): 5'-GCACTATCAGATATATGGCACCAGAAGTGCTAGAAGGAGCTGTGAACTTGAGGGACTGTG[A>C]ATCAGCTTTGAAACAAGTAGACATGTATGCTCTTGGACTAATCTATTGGGAGATATTTAT-3'
Protein context (NP_001195.2, residues 388-408): LEGAVNLRDC[Glu398Ala]SALKQVDMYA